The following is an entry in ClinVar:

NM_183381.3(RNF13):c.641G>A (p.Arg214Lys)

Gene: RNF13 (ring finger protein 13; plus strand). Cytogenetic location: 3q25.1.
Variant type: single nucleotide variant.
Coding change: c.641G>A on transcript NM_183381.3 (MANE Select); coding-DNA position 641, G replaced by A.
Protein change: p.Arg214Lys; replaces arginine 214 with lysine.
Molecular consequence: missense variant. On other transcripts: non-coding transcript variant (1).
Genome position (GRCh38, 1-based): chr3:149,921,168, G>A. VCF-style: chr3-149921168-G-A. GRCh37 (hg19) VCF-style: chr3-149638955-G-A.
Other names: c.641G>A, p.Arg214Lys (NM_001378285.1, NM_001378286.1, NM_007282.4); c.284G>A, p.Arg95Lys (NM_001378287.1, NM_001378288.1, NM_001378289.1 and 2 more transcripts); c.248G>A, p.Arg83Lys (NM_001378291.1); short protein forms R214K, R83K, R95K.
Identifiers: ClinVar variation 1720588 (VCV001720588.5), dbSNP rs2473493628, ClinGen allele CA354933489.

ClinVar aggregate classification (germline): Uncertain significance (1 of 4 stars; one submission).

Submission:

Labcorp Genetics (formerly Invitae), Labcorp
Classification: Uncertain significance. Last evaluated: 2022-09-28. Review status: criteria provided, single submitter. Criteria: Invitae Variant Classification Sherloc (09022015). Collection method: clinical testing. Allele origin: germline.
Comment: In summary, the available evidence is currently insufficient to determine the role of this variant in disease. Therefore, it has been classified as a Variant of Uncertain Significance. Advanced modeling of protein sequence and biophysical properties (such as structural, functional, and spatial information, amino acid conservation, physicochemical variation, residue mobility, and thermodynamic stability) performed at Invitae indicates that this missense variant is not expected to disrupt RNF13 protein function. This variant has not been reported in the literature in individuals affected with RNF13-related conditions. This variant is not present in population databases (gnomAD no frequency). This sequence change replaces arginine, which is basic and polar, with lysine, which is basic and polar, at codon 214 of the RNF13 protein (p.Arg214Lys).